The following is an entry in ClinVar:

ClinVar aggregate classification (germline): Likely benign. Review status: criteria provided, multiple submitters, no conflicts (2 of 4 stars). 2 submissions from 2 submitters: Likely benign (2). Last evaluated 2025-09-01.

Conditions:
Charcot-Marie-Tooth disease dominant intermediate B (CMTDIB). Also called: CHARCOT-MARIE-TOOTH NEUROPATHY, DOMINANT INTERMEDIATE B; Charcot-Marie-Tooth disease dominant intermediate 1; CMT DI1; Charcot-Marie-Tooth disease dominant intermediate I. Identifiers: Orphanet 100044, Orphanet 228179, MedGen C1847902, MONDO:0011674, OMIM 606482.

Allele frequency attached by ClinVar (database versions not stated): gnomAD 0.00001; TOPMed 0.00002; ExAC 0.00006; gnomAD exomes 0.00006; ESP Exome Variant Server 0.00008; 1000 Genomes Project 30x 0.00016; 1000 Genomes Project 0.00020.
gnomAD v4.1: 33 of 1,612,594 alleles (0.002%); highest among the groups gnomAD compares: Middle Eastern, 0.033%; no homozygotes.

Submissions (2):

Labcorp Genetics (formerly Invitae), Labcorp
Classification: Likely benign for Charcot-Marie-Tooth disease dominant intermediate B. Last evaluated: 2025-09-01. Review status: criteria provided, single submitter. Criteria: Invitae Variant Classification Sherloc (09022015). Collection method: clinical testing. Allele origin: germline.

GeneDx
Classification: Likely benign. Last evaluated: 2017-11-13. Review status: criteria provided, single submitter. Criteria: GeneDx Variant Classification (06012015). Collection method: clinical testing. Allele origin: germline. Affected: yes.
Comment: This variant is considered likely benign or benign based on one or more of the following criteria: it is a conservative change, it occurs at a poorly conserved position in the protein, it is predicted to be benign by multiple in silico algorithms, and/or has population frequency not consistent with disease.

NM_001005361.3(DNM2):c.1893+10C>T

Gene: DNM2 (dynamin 2; plus strand). Cytogenetic location: 19p13.2.
Variant type: single nucleotide variant.
Coding change: c.1893+10C>T on transcript NM_001005361.3 (MANE Select); 10 bases into the intron after coding-DNA position 1893, C replaced by T.
Molecular consequence: intron variant.
Genome position (GRCh38, 1-based): chr19:10,823,909, C>T. VCF-style: chr19-10823909-C-T. GRCh37 (hg19) VCF-style: chr19-10934585-C-T.
Other names: c.1893+10C>T (NM_001005360.3, NM_001190716.2); c.1881+10C>T (NM_004945.4, NM_001005362.3).
Identifiers: ClinVar variation 388788 (VCV000388788.11), dbSNP rs147321173, ClinGen allele CA9201426.
Genomic context (GRCh38, chr19:10,823,909, plus strand): 5'-AGCTGGAAGGCCTCGTTCCTCCGAGCTGGCGTCTACCCCGAGAAGGACCAGGTGAGGAGC[C>T]GTCCTGCGCAGCCAGGCCCAGAGCCCCCACCTGGGAGAGGAAGCAGGGCTGGCTTTCCCC-3'